The following is an entry in ClinVar:

NM_000059.4(BRCA2):c.1405G>C (p.Asp469His)

Gene: BRCA2 (BRCA2 DNA repair associated; plus strand). Cytogenetic location: 13q13.1.
Variant type: single nucleotide variant.
Coding change: c.1405G>C on transcript NM_000059.4 (MANE Select); coding-DNA position 1405, G replaced by C.
Protein change: p.Asp469His; replaces aspartic acid 469 with histidine.
Molecular consequence: missense variant.
Genome position (GRCh38, 1-based): chr13:32,332,883, G>C. VCF-style: chr13-32332883-G-C. GRCh37 (hg19) VCF-style: chr13-32907020-G-C.
Other names: short protein forms D469H.
Identifiers: ClinVar variation 91752 (VCV000091752.14), dbSNP rs398122727, ClinGen allele CA011938.

ClinVar aggregate classification (germline): Conflicting classifications of pathogenicity. Review status: criteria provided, conflicting classifications (1 of 4 stars). 4 submissions from 4 submitters: Uncertain significance (2); Likely benign (1). 1 of the submissions does not count toward it. Last evaluated 2024-03-28.

Conditions:
Hereditary cancer-predisposing syndrome. Also called: Tumor predisposition; Hereditary Cancer Syndrome; Neoplastic Syndromes, Hereditary; Hereditary neoplastic syndrome. Identifiers: Orphanet 140162, MedGen C0027672, MeSH D009386, MONDO:0015356.
Hereditary breast ovarian cancer syndrome. Also called: Breast and ovarian cancer; Hereditary breast and ovarian cancer; Hereditary breast and ovarian cancer syndrome; BRCA1- and BRCA2-Associated Hereditary Breast and Ovarian Cancer; Hereditary breast and ovarian cancer syndrome (HBOC); Hereditary breast and/or ovarian cancer syndrome. Identifiers: Orphanet 145, MedGen C0677776, MeSH D061325, MONDO:0003582. Disease mechanism: loss of function.
Breast-ovarian cancer, familial, susceptibility to, 2 (BROVCA2). Also called: BRCA2 Hereditary Breast and Ovarian Cancer. Identifiers: Orphanet 145, MedGen C2675520, MONDO:0012933, OMIM 612555. Disease mechanism: loss of function.

Allele frequency attached by ClinVar (database versions not stated): gnomAD exomes below 0.00001.
gnomAD v4.1: 1 of 1,611,150 alleles (0.000062%); highest among the groups gnomAD compares: Non-Finnish European, 0.000085%; no homozygotes.

Submissions (4):

Labcorp Genetics (formerly Invitae), Labcorp
Classification: Uncertain significance for Hereditary breast ovarian cancer syndrome. Last evaluated: 2024-03-28. Review status: criteria provided, single submitter. Criteria: Invitae Variant Classification Sherloc (09022015). Collection method: clinical testing. Allele origin: germline.
Comment: This sequence change replaces aspartic acid, which is acidic and polar, with histidine, which is basic and polar, at codon 469 of the BRCA2 protein (p.Asp469His). This variant is not present in population databases (gnomAD no frequency). This variant has not been reported in the literature in individuals affected with BRCA2-related conditions. ClinVar contains an entry for this variant (Variation ID: 91752). Advanced modeling of protein sequence and biophysical properties (such as structural, functional, and spatial information, amino acid conservation, physicochemical variation, residue mobility, and thermodynamic stability) performed at Invitae indicates that this missense variant is not expected to disrupt BRCA2 protein function with a negative predictive value of 95%. In summary, the available evidence is currently insufficient to determine the role of this variant in disease. Therefore, it has been classified as a Variant of Uncertain Significance.

University of Washington Department of Laboratory Medicine, University of Washington
Classification: Likely benign for Hereditary cancer-predisposing syndrome. Last evaluated: 2023-03-23. Review status: criteria provided, single submitter. Criteria: Dines et al. (Genet Med. 2020). Collection method: curation. Allele origin: germline.
Comment: Missense variant in a coldspot region where missense variants are very unlikely to be pathogenic (PMID:31911673).

BRCA2 exon 10 coldspot. Reclassification based on statistical prior probability.

Ambry Genetics
Classification: Uncertain significance for Hereditary cancer-predisposing syndrome. Last evaluated: 2020-03-23. Review status: criteria provided, single submitter. Criteria: Ambry Variant Classification Scheme 2023. Collection method: clinical testing. Allele origin: germline.
Comment: The p.D469H variant (also known as c.1405G>C), located in coding exon 9 of the BRCA2 gene, results from a G to C substitution at nucleotide position 1405. The aspartic acid at codon 469 is replaced by histidine, an amino acid with similar properties. This amino acid position is not well conserved in available vertebrate species. In addition, this alteration is predicted to be tolerated by in silico analysis. Since supporting evidence is limited at this time, the clinical significance of this alteration remains unclear.

Sharing Clinical Reports Project (SCRP)
Classification: Uncertain significance for Breast-ovarian cancer, familial 2. Last evaluated: 2006-09-15. Review status: no assertion criteria provided. Collection method: clinical testing. Allele origin: germline. Not counted in ClinVar's aggregate classification.